The following is an entry in ClinVar:

ClinVar aggregate classification (germline): Conflicting classifications of pathogenicity. Review status: criteria provided, conflicting classifications (1 of 4 stars). 3 submissions from 3 submitters: Uncertain significance (1); Likely benign (2). Last evaluated 2025-08-06.

Conditions:
Hereditary cancer-predisposing syndrome. Also called: Hereditary neoplastic syndrome; Neoplastic Syndromes, Hereditary; Tumor predisposition; Hereditary Cancer Syndrome. Identifiers: Orphanet 140162, MedGen C0027672, MeSH D009386, MONDO:0015356.
Hereditary diffuse gastric adenocarcinoma (HDGC). Also called: DIFFUSE GASTRIC AND LOBULAR BREAST CANCER SYNDROME. Identifiers: Orphanet 26106, MedGen C1708349, MONDO:0007648, OMIM 137215.

Submissions (3):

Labcorp Genetics (formerly Invitae), Labcorp
Classification: Uncertain significance for Hereditary diffuse gastric adenocarcinoma. Last evaluated: 2025-08-06. Review status: criteria provided, single submitter. Criteria: Invitae Variant Classification Sherloc (09022015). Collection method: clinical testing. Allele origin: germline.
Comment: This sequence change affects codon 522 of the CDH1 mRNA. It is a 'silent' change, meaning that it does not change the encoded amino acid sequence of the CDH1 protein. It affects a nucleotide within the consensus splice site. This variant is not present in population databases (gnomAD no frequency). This variant has not been reported in the literature in individuals affected with CDH1-related conditions. ClinVar contains an entry for this variant (Variation ID: 463724). Algorithms developed to predict the effect of sequence changes on RNA splicing suggest that this variant is not likely to affect RNA splicing. In summary, the available evidence is currently insufficient to determine the role of this variant in disease. Therefore, it has been classified as a Variant of Uncertain Significance.

Color Diagnostics, LLC DBA Color Health
Classification: Likely benign for Hereditary cancer-predisposing syndrome. Last evaluated: 2019-11-08. Review status: criteria provided, single submitter. Criteria: ACMG Guidelines, 2015. Collection method: clinical testing. Allele origin: germline.

Ambry Genetics
Classification: Likely benign for Hereditary cancer-predisposing syndrome. Last evaluated: 2019-05-10. Review status: criteria provided, single submitter. Criteria: Ambry Variant Classification Scheme 2023. Collection method: clinical testing. Allele origin: germline.

NM_004360.5(CDH1):c.1566A>G (p.Thr522=)

Gene: CDH1 (cadherin 1; plus strand). Cytogenetic location: 16q22.1.
Variant type: single nucleotide variant.
Coding change: c.1566A>G on transcript NM_004360.5 (MANE Select); coding-DNA position 1566, A replaced by G.
Protein change: p.Thr522=; no amino-acid change (threonine 522 retained).
Molecular consequence: synonymous variant. On other transcripts: intron variant (1).
Genome position (GRCh38, 1-based): chr16:68,819,280, A>G. VCF-style: chr16-68819280-A-G. GRCh37 (hg19) VCF-style: chr16-68853183-A-G.
Other names: c.1566A>G (LRG_301t1); c.1383A>G, p.Thr461= (NM_001317184.2); c.18A>G, p.Thr6= (NM_001317185.2); c.-254-2721A>G (NM_001317186.2).
Identifiers: ClinVar variation 463724 (VCV000463724.11), dbSNP rs1555516521, ClinGen allele CA496154294.